The following is an entry in ClinVar:

ClinVar aggregate classification (germline): Uncertain significance (1 of 4 stars; one submission).

Allele frequency attached by ClinVar (database versions not stated): gnomAD 0.00001; gnomAD exomes 0.00001; TOPMed 0.00001.
gnomAD v4.1: 15 of 1,613,872 alleles (0.00093%); highest among the groups gnomAD compares: African/African-American, 0.0013%; no homozygotes.

Submission:

Labcorp Genetics (formerly Invitae), Labcorp
Classification: Uncertain significance. Last evaluated: 2023-12-14. Review status: criteria provided, single submitter. Criteria: Invitae Variant Classification Sherloc (09022015). Collection method: clinical testing. Allele origin: germline.
Comment: This sequence change replaces glycine, which is neutral and non-polar, with arginine, which is basic and polar, at codon 2616 of the HERC2 protein (p.Gly2616Arg). This variant is present in population databases (no rsID available, gnomAD 0.0009%). This variant has not been reported in the literature in individuals affected with HERC2-related conditions. Advanced modeling of protein sequence and biophysical properties (such as structural, functional, and spatial information, amino acid conservation, physicochemical variation, residue mobility, and thermodynamic stability) performed at Invitae indicates that this missense variant is not expected to disrupt HERC2 protein function with a negative predictive value of 80%. In summary, the available evidence is currently insufficient to determine the role of this variant in disease. Therefore, it has been classified as a Variant of Uncertain Significance.

NM_004667.6(HERC2):c.7846G>C (p.Gly2616Arg)

Gene: HERC2 (HECT and RLD domain containing E3 ubiquitin protein ligase 2; minus strand). Cytogenetic location: 15q13.1.
Variant type: single nucleotide variant.
Coding change: c.7846G>C on transcript NM_004667.6 (MANE Select); coding-DNA position 7846, G replaced by C.
Protein change: p.Gly2616Arg; replaces glycine 2616 with arginine.
Molecular consequence: missense variant.
Genome position (GRCh38, 1-based): chr15:28,198,640, C>G on the plus strand (G>C on the coding strand, the complement: HERC2 is on the minus strand). VCF-style: chr15-28198640-C-G. GRCh37 (hg19) VCF-style: chr15-28443786-C-G.
Other names: short protein forms G2616R.
Identifiers: ClinVar variation 2887478 (VCV002887478.3), dbSNP rs963275518, ClinGen allele CA267937808.